The following is an entry in ClinVar:

ClinVar aggregate classification (germline): Uncertain significance (1 of 4 stars; one submission).

Allele frequency attached by ClinVar (database versions not stated): TOPMed below 0.00001; gnomAD exomes 0.00002; ExAC 0.00004.
gnomAD v4.1: 25 of 1,613,032 alleles (0.0015%); highest among the groups gnomAD compares: Non-Finnish European, 0.0018%; no homozygotes.

Submission:

GeneDx
Classification: Uncertain significance. Last evaluated: 2019-12-05. Review status: criteria provided, single submitter. Criteria: GeneDx Variant Classification Process June 2021. Collection method: clinical testing. Allele origin: germline. Affected: yes.
Comment: In silico analysis, which includes protein predictors and evolutionary conservation, supports a deleterious effect; Has not been previously published as pathogenic or benign to our knowledge

NM_006129.5(BMP1):c.1954C>T (p.Arg652Cys)

Gene: BMP1 (bone morphogenetic protein 1; plus strand). Cytogenetic location: 8p21.3.
Variant type: single nucleotide variant.
Coding change: c.1954C>T on transcript NM_006129.5 (MANE Select); coding-DNA position 1954, C replaced by T.
Protein change: p.Arg652Cys; replaces arginine 652 with cysteine.
Molecular consequence: missense variant. On other transcripts: non-coding transcript variant (2).
Genome position (GRCh38, 1-based): chr8:22,197,267, C>T. VCF-style: chr8-22197267-C-T. GRCh37 (hg19) VCF-style: chr8-22054780-C-T.
Other names: c.1954C>T, p.Arg652Cys (NM_001199.4); short protein forms R652C.
Identifiers: ClinVar variation 1310984 (VCV001310984.2), dbSNP rs752066503, ClinGen allele CA4664905.